The following is an entry in ClinVar:

ClinVar aggregate classification (germline): Pathogenic (1 of 4 stars; one submission).

Conditions:
Cohen syndrome (COH1). Also called: PEPPER SYNDROME; Cutis verticis gyrata, retinitis pigmentosa, and sensorineural deafness. Identifiers: Orphanet 193, MedGen C0265223, MONDO:0008999, OMIM 216550.

Submission:

Labcorp Genetics (formerly Invitae), Labcorp
Classification: Pathogenic for Cohen syndrome. Last evaluated: 2022-02-01. Review status: criteria provided, single submitter. Criteria: Invitae Variant Classification Sherloc (09022015). Collection method: clinical testing. Allele origin: germline.
Comment: For these reasons, this variant has been classified as Pathogenic. This variant has not been reported in the literature in individuals affected with VPS13B-related conditions. This variant is a gross deletion of the genomic region encompassing exon(s) 6 of the VPS13B gene. This deletion is out-of-frame, and is expected to create a premature termination codon and result in an absent or disrupted protein product. Loss-of-function variants in VPS13B are known to be pathogenic (PMID: 15141358, 16648375, 20461111).

Literature cited by the submitters: PubMed 15141358; PubMed 16648375; PubMed 20461111.

NC_000008.10:g.(?_100123316)_(100123517_?)del

Gene: VPS13B (vacuolar protein sorting 13 homolog B; plus strand). Cytogenetic location: 8q22.2.
Variant type: Deletion.
Identifiers: ClinVar variation 1074673 (VCV001074673.6).